The following is an entry in ClinVar:

NM_000136.3(FANCC):c.1327_1328del (p.Met443fs)

Genes: AOPEP (aminopeptidase O (putative); plus strand), FANCC (FA complementation group C; minus strand). Cytogenetic location: 9q22.32.
Variant type: Deletion.
Coding change: c.1327_1328del on transcript NM_000136.3 (MANE Select); coding-DNA positions 1327 to 1328, 2 bases deleted (AT; older notation c.1327_1328delAT).
Protein change: p.Met443fs; shifts the reading frame from methionine 443.
Molecular consequence: frameshift variant.
Genome position (GRCh38, 1-based): chr9:95,111,464-95,111,465, AT deleted on the plus strand (AT on the coding strand, the reverse complement: FANCC is on the minus strand); deleting any 2 consecutive bases within chr9:95,111,464-95,111,466 gives the same sequence; the c. name uses the placement nearest the transcript's 3' end. VCF-style (leftmost placement, unchanged base first): chr9-95111463-CAT-C. GRCh37 (hg19) VCF-style: chr9-97873745-CAT-C.
Other names: c.1327_1328del, p.Met443fs (NM_001243743.2, NM_001243744.2); short protein forms M443fs.
Identifiers: ClinVar variation 1072020 (VCV001072020.9), dbSNP rs2134546063, ClinGen allele CA2499220002.

ClinVar aggregate classification (germline): Pathogenic (1 of 4 stars; one submission).

Conditions:
Fanconi anemia (FA). Also called: Fanconi's anemia. Identifiers: Orphanet 84, MedGen C0015625, MeSH D005199, MONDO:0019391.

Submission:

Labcorp Genetics (formerly Invitae), Labcorp
Classification: Pathogenic for Fanconi anemia. Last evaluated: 2024-03-17. Review status: criteria provided, single submitter. Criteria: Invitae Variant Classification Sherloc (09022015). Collection method: clinical testing. Allele origin: germline.
Comment: This sequence change creates a premature translational stop signal (p.Met443Glyfs*74) in the FANCC gene. While this is not anticipated to result in nonsense mediated decay, it is expected to disrupt the last 116 amino acid(s) of the FANCC protein. This variant is not present in population databases (gnomAD no frequency). This variant has not been reported in the literature in individuals affected with FANCC-related conditions. ClinVar contains an entry for this variant (Variation ID: 1072020). This variant disrupts a region of the FANCC protein in which other variant(s) (p.Arg548*) have been determined to be pathogenic (PMID: 8103176, 8882868, 24584348). This suggests that this is a clinically significant region of the protein, and that variants that disrupt it are likely to be disease-causing. For these reasons, this variant has been classified as Pathogenic.

Literature cited by the submitters: PubMed 8103176; PubMed 8882868; PubMed 24584348.